The following is an entry in ClinVar:

ClinVar aggregate classification (germline): Uncertain significance (1 of 4 stars; one submission).

Conditions:
Hereditary sensory and autonomic neuropathy type 6. Also called: HSAN VI; Neuropathy, hereditary sensory and autonomic, type VI. Identifiers: Orphanet 314381, MedGen C3539003, MONDO:0013839, OMIM 614653.
Epidermolysis bullosa simplex 3, localized or generalized intermediate, with BP230 deficiency (EBS3). Also called: Epidermolysis bullosa simplex, autosomal recessive 2; Epidermolysis bullosa simplex due to BP230 deficiency. Identifiers: Orphanet 412181, MedGen C3809470, MONDO:0014180, OMIM 615425.

Submission:

Labcorp Genetics (formerly Invitae), Labcorp
Classification: Uncertain significance for Epidermolysis bullosa simplex 3, localized or generalized intermediate, with BP230 deficiency; Hereditary sensory and autonomic neuropathy type 6. Last evaluated: 2023-03-01. Review status: criteria provided, single submitter. Criteria: Invitae Variant Classification Sherloc (09022015). Collection method: clinical testing. Allele origin: germline.
Comment: The DST gene has multiple clinically relevant transcripts. This variant occurs in alternate transcript NM_015548.4, and corresponds to NC_000006.11:g.56393636C>T in the primary transcript. This sequence change falls in intron 48 of the DST gene. It does not directly change the encoded amino acid sequence of the DST protein. It affects a nucleotide within the consensus splice site. This variant has not been reported in the literature in individuals affected with DST-related conditions. Variants that disrupt the consensus splice site are a relatively common cause of aberrant splicing (PMID: 17576681, 9536098). In summary, the available evidence is currently insufficient to determine the role of this variant in disease. Therefore, it has been classified as a Variant of Uncertain Significance. This variant is not present in population databases (gnomAD no frequency).

Literature cited by the submitters: PubMed 17576681; PubMed 9536098.

NM_001374736.1(DST):c.17680+3G>A

Gene: DST (dystonin; minus strand). Cytogenetic location: 6p12.1.
Variant type: single nucleotide variant.
Coding change: c.17680+3G>A on transcript NM_001374736.1 (MANE Select); 3 bases into the intron after coding-DNA position 17680, G replaced by A.
Molecular consequence: intron variant.
Genome position (GRCh38, 1-based): chr6:56,528,838, C>T on the plus strand (G>A on the coding strand, the complement: DST is on the minus strand). VCF-style: chr6-56528838-C-T. GRCh37 (hg19) VCF-style: chr6-56393636-C-T.
Other names: c.11323+3G>A (NM_001144769.5); c.17680+3G>A (NM_001374722.1); c.17707+3G>A (NM_001374734.1); c.10909+3G>A (NM_001144770.2); c.10462+3G>A (NM_001374730.1); c.10789+3G>A (NM_001386100.1, NM_183380.4); c.16720+3G>A (NM_001374729.1); c.9811+3G>A (NM_015548.5).
Identifiers: ClinVar variation 2925660 (VCV002925660.3), dbSNP rs2534813653, ClinGen allele CA2679209466.